The following is an entry in ClinVar:

NM_001999.4(FBN2):c.5918-5T>A

Gene: FBN2 (fibrillin 2; minus strand). Cytogenetic location: 5q23.3.
Variant type: single nucleotide variant.
Coding change: c.5918-5T>A on transcript NM_001999.4 (MANE Select); 5 bases into the intron before coding-DNA position 5918, T replaced by A.
Molecular consequence: intron variant.
Genome position (GRCh38, 1-based): chr5:128,301,515, A>T on the plus strand (T>A on the coding strand, the complement: FBN2 is on the minus strand). VCF-style: chr5-128301515-A-T. GRCh37 (hg19) VCF-style: chr5-127637207-A-T.
Identifiers: ClinVar variation 391263 (VCV000391263.1), dbSNP rs1057524021, ClinGen allele CA16604831.

ClinVar aggregate classification (germline): Likely benign (1 of 4 stars; one submission).

Submission:

GeneDx
Classification: Likely benign. Last evaluated: 2016-11-28. Review status: criteria provided, single submitter. Criteria: GeneDx Variant Classification (06012015). Collection method: clinical testing. Allele origin: germline. Affected: yes.
Comment: This variant is considered likely benign or benign based on one or more of the following criteria: it is a conservative change, it occurs at a poorly conserved position in the protein, it is predicted to be benign by multiple in silico algorithms, and/or has population frequency not consistent with disease.